The following is an entry in ClinVar:

NM_004006.3(DMD):c.2672A>G (p.Lys891Arg)

Gene: DMD (dystrophin; minus strand). Cytogenetic location: Xp21.1.
Variant type: single nucleotide variant.
Coding change: c.2672A>G on transcript NM_004006.3 (MANE Select); coding-DNA position 2672, A replaced by G.
Protein change: p.Lys891Arg; replaces lysine 891 with arginine.
Molecular consequence: missense variant.
Genome position (GRCh38, 1-based): chrX:32,485,050, T>C on the plus strand (A>G on the coding strand, the complement: DMD is on the minus strand). VCF-style: chrX-32485050-T-C. GRCh37 (hg19) VCF-style: chrX-32503167-T-C.
Other names: c.2648A>G, p.Lys883Arg (NM_000109.4); c.2660A>G, p.Lys887Arg (NM_004009.3); c.2303A>G, p.Lys768Arg (NM_004010.3); short protein forms K891R, K883R, K887R, K768R.
Identifiers: ClinVar variation 2181226 (VCV002181226.7), dbSNP rs2524916043, ClinGen allele CA412670978.
Genomic context (GRCh38, chrX:32,485,050, plus strand): 5'-AAGTCTGCATCCAGGAACATGGGTCCTTGTCCTTTCTCTTTCAGGGCTATGCTTTGAATT[T>C]TTAATCGTTCAATTTGAGGTTGAAGATCTGATAGCCGGTTGACTTCATCCTGTGCCATAG-3'
Protein context (NP_003997.2, residues 881-901): SDLQPQIERL[Lys891Arg]IQSIALKEKG

ClinVar aggregate classification (germline): Uncertain significance. Review status: criteria provided, multiple submitters, no conflicts (2 of 4 stars). 2 submissions from 2 submitters: Uncertain significance (2). Last evaluated 2022-09-28.

Conditions:
Duchenne muscular dystrophy (DMD). Also called: MUSCULAR DYSTROPHY, PSEUDOHYPERTROPHIC PROGRESSIVE, DUCHENNE TYPE; Duchenne Muscular Dystrophy (DMD). Identifiers: Orphanet 98896, MedGen C0013264, MONDO:0010679, OMIM 310200.

Allele frequency attached by ClinVar (database versions not stated): gnomAD exomes below 0.00001.
gnomAD v4.1: 4 of 1,211,664 alleles (0.00033%); highest among the groups gnomAD compares: Non-Finnish European, 0.00045%; no homozygotes.

Submissions (2):

Revvity Omics, Revvity
Classification: Uncertain significance. Last evaluated: 2022-09-28. Review status: criteria provided, single submitter. Criteria: ACMG Guidelines, 2015. Collection method: clinical testing. Allele origin: germline.

Labcorp Genetics (formerly Invitae), Labcorp
Classification: Uncertain significance for Duchenne muscular dystrophy. Last evaluated: 2022-06-02. Review status: criteria provided, single submitter. Criteria: Invitae Variant Classification Sherloc (09022015). Collection method: clinical testing. Allele origin: germline.
Comment: In summary, the available evidence is currently insufficient to determine the role of this variant in disease. Therefore, it has been classified as a Variant of Uncertain Significance. Algorithms developed to predict the effect of missense changes on protein structure and function are either unavailable or do not agree on the potential impact of this missense change (SIFT: "Tolerated"; PolyPhen-2: "Possibly Damaging"; Align-GVGD: "Class C0"). This variant has not been reported in the literature in individuals affected with DMD-related conditions. This variant is not present in population databases (gnomAD no frequency). This sequence change replaces lysine, which is basic and polar, with arginine, which is basic and polar, at codon 891 of the DMD protein (p.Lys891Arg).